The following is an entry in ClinVar:

NM_198994.3(TGM6):c.1995G>C (p.Arg665Ser)

Gene: TGM6 (transglutaminase 6; plus strand). Cytogenetic location: 20p13.
Variant type: single nucleotide variant.
Coding change: c.1995G>C on transcript NM_198994.3 (MANE Select); coding-DNA position 1995, G replaced by C.
Protein change: p.Arg665Ser; replaces arginine 665 with serine.
Molecular consequence: missense variant.
Genome position (GRCh38, 1-based): chr20:2,432,517, G>C. VCF-style: chr20-2432517-G-C. GRCh37 (hg19) VCF-style: chr20-2413163-G-C.
Other names: c.1861G>C, p.Gly621Arg (NM_001254734.2); short protein forms R665S, G621R.
Identifiers: ClinVar variation 337940 (VCV000337940.38), dbSNP rs138807504, ClinGen allele CA9732274.

ClinVar aggregate classification (germline): Benign. Review status: criteria provided, multiple submitters, no conflicts (2 of 4 stars). 5 submissions from 5 submitters: Benign (5). Last evaluated 2026-03-01.

Conditions:
Spinocerebellar ataxia type 35. Identifiers: Orphanet 276193, MedGen C3888031, MONDO:0013485, OMIM 613908.

Allele frequency attached by ClinVar (database versions not stated): 1000 Genomes Project 30x 0.00109; gnomAD 0.00136 and 0.00162; 1000 Genomes Project 0.00140; ESP Exome Variant Server 0.00161; TOPMed 0.00162; gnomAD exomes 0.00178 and 0.00320; ExAC 0.00316.
gnomAD v4.1: 2,959 of 1,614,050 alleles (0.18%); highest among the groups gnomAD compares: South Asian, 1.2%; 18 homozygotes.

Submissions (5):

CeGaT Center for Human Genetics Tuebingen
Classification: Benign. Last evaluated: 2026-03-01. Review status: criteria provided, single submitter. Criteria: CeGaT Center For Human Genetics Tuebingen Variant Classification Criteria Version 2. Collection method: clinical testing. Allele origin: germline. Affected: yes. Observed: 6 variant alleles.
Comment: TGM6: BP4, BS1, BS2

Labcorp Genetics (formerly Invitae), Labcorp
Classification: Benign. Last evaluated: 2026-02-02. Review status: criteria provided, single submitter. Criteria: Invitae Variant Classification Sherloc (09022015). Collection method: clinical testing. Allele origin: germline.

Athena Diagnostics
Classification: Benign. Last evaluated: 2021-03-29. Review status: criteria provided, single submitter. Criteria: Athena Diagnostics criteria. Collection method: clinical testing. Allele origin: unknown.

Illumina Laboratory Services, Illumina
Classification: Benign for Spinocerebellar ataxia type 35. Last evaluated: 2018-01-12. Review status: criteria provided, single submitter. Criteria: ICSL Variant Classification Criteria 13 December 2019. Collection method: clinical testing. Allele origin: germline.
Comment: This variant was observed in the ICSL laboratory as part of a predisposition screen in an ostensibly healthy population. It had not been previously curated by ICSL or reported in the Human Gene Mutation Database (HGMD: prior to June 1st, 2018), and was therefore a candidate for classification through an automated scoring system. Utilizing variant allele frequency, disease prevalence and penetrance estimates, and inheritance mode, an automated score was calculated to assess if this variant is too frequent to cause the disease. Based on the score and internal cut-off values, a variant classified as benign is not then subjected to further curation. The score for this variant resulted in a classification of benign for this disease.

Breakthrough Genomics
Classification: Benign. Review status: criteria provided, single submitter. Criteria: ACMG Guidelines, 2015. Collection method: not provided. Allele origin: germline. Inheritance: Autosomal dominant inheritance. Affected: yes.

Literature cited by the submitters: PubMed 21907015 (cited by Athena Diagnostics); PubMed 33378849 (cited by Athena Diagnostics).